The following is an entry in ClinVar:

ClinVar aggregate classification (germline): Uncertain significance (1 of 4 stars; one submission).

Conditions:
RYR1-related disorder. Also called: RYR1-related condition; RYR1-related disorders. Identifiers: MedGen CN239331.

Allele frequency attached by ClinVar (database versions not stated): TOPMed below 0.00001; gnomAD 0.00001.

Submission:

Labcorp Genetics (formerly Invitae), Labcorp
Classification: Uncertain significance for RYR1-related disorder. Last evaluated: 2021-09-02. Review status: criteria provided, single submitter. Criteria: Invitae Variant Classification Sherloc (09022015). Collection method: clinical testing. Allele origin: germline.
Comment: This sequence change replaces arginine with tryptophan at codon 4315 of the RYR1 protein (p.Arg4315Trp). The arginine residue is moderately conserved and there is a moderate physicochemical difference between arginine and tryptophan. The frequency data for this variant in the population databases is considered unreliable, as metrics indicate insufficient coverage at this position in the ExAC database. This variant has not been reported in the literature in individuals affected with RYR1-related conditions. Advanced modeling of protein sequence and biophysical properties (such as structural, functional, and spatial information, amino acid conservation, physicochemical variation, residue mobility, and thermodynamic stability) performed at Invitae indicates that this missense variant is not expected to disrupt RYR1 protein function. In summary, the available evidence is currently insufficient to determine the role of this variant in disease. Therefore, it has been classified as a Variant of Uncertain Significance.

NM_000540.3(RYR1):c.12943C>T (p.Arg4315Trp)

Gene: RYR1 (ryanodine receptor 1; plus strand). Cytogenetic location: 19q13.2.
Variant type: single nucleotide variant.
Coding change: c.12943C>T on transcript NM_000540.3 (MANE Select); coding-DNA position 12943, C replaced by T.
Protein change: p.Arg4315Trp; replaces arginine 4315 with tryptophan.
Molecular consequence: missense variant.
Genome position (GRCh38, 1-based): chr19:38,565,277, C>T. VCF-style: chr19-38565277-C-T. GRCh37 (hg19) VCF-style: chr19-39055917-C-T.
Other names: c.12928C>T, p.Arg4310Trp (NM_001042723.2); short protein forms R4315W, R4310W.
Identifiers: ClinVar variation 1420121 (VCV001420121.5), dbSNP rs1477549475, ClinGen allele CA405672686.
Genomic context (GRCh38, chr19:38,565,277, plus strand): 5'-GCGCGGGTTGTGGCGGCCGCAGGCCGGGCCCTGCGAGGCCTCAGCTACCGCAGCCTGCGG[C>T]GGCGCGTGCGGCGGCTGCGGCGGCTTACGGCCCGCGAGGCGGCCACCGCAGTGGCGGCGC-3'
Protein context (NP_000531.2, residues 4305-4325): LRGLSYRSLR[Arg4315Trp]RVRRLRRLTA